The following is an entry in ClinVar:

NM_181882.3(PRX):c.1878C>G (p.Val626=)

Gene: PRX (periaxin; minus strand). Cytogenetic location: 19q13.2.
Variant type: single nucleotide variant.
Coding change: c.1878C>G on transcript NM_181882.3 (MANE Select); coding-DNA position 1878, C replaced by G.
Protein change: p.Val626=; no amino-acid change (valine 626 retained).
Molecular consequence: synonymous variant. On other transcripts: 3 prime UTR variant (1).
Genome position (GRCh38, 1-based): chr19:40,396,474, G>C on the plus strand (C>G on the coding strand, the complement: PRX is on the minus strand). VCF-style: chr19-40396474-G-C. GRCh37 (hg19) VCF-style: chr19-40902381-G-C.
Other names: c.2163C>G, p.Val721= (NM_001411127.1); c.*2083C>G (NM_020956.2).
Identifiers: ClinVar variation 3772560 (VCV003772560.13).
Genomic context (GRCh38, chr19:40,396,474, plus strand): 5'-CTCGGGCACCTTCGGGAGTTTCACCTCAGGGAGTTTCATCTCAGGGAGCTTCATCTCTGG[G>C]ACTTTTGGAAGCTGCACTTCTGGGAGGTGCACATCGGGCACGGCCATCTCGGGCACCTTC-3'
Protein context (NP_870998.2, residues 616-636): VHLPEVQLPK[Val626=]PEMKLPEMKL

ClinVar aggregate classification (germline): Likely benign (1 of 4 stars; one submission).

Submission:

CeGaT Center for Human Genetics Tuebingen
Classification: Likely benign. Last evaluated: 2025-02-01. Review status: criteria provided, single submitter. Criteria: CeGaT Center For Human Genetics Tuebingen Variant Classification Criteria Version 2. Collection method: clinical testing. Allele origin: germline. Affected: yes. Observed: 1 variant allele.
Comment: PRX: PM2:Supporting, BP4, BP7